The following is an entry in ClinVar:

NM_001282717.2(STAG3):c.3399G>A (p.Leu1133=)

Gene: STAG3 (STAG3 cohesin complex component; plus strand). Cytogenetic location: 7q22.1.
Variant type: single nucleotide variant.
Coding change: c.3399G>A on transcript NM_001282717.2 (MANE Select); coding-DNA position 3399, G replaced by A.
Protein change: p.Leu1133=; no amino-acid change (leucine 1133 retained).
Molecular consequence: synonymous variant. On other transcripts: non-coding transcript variant (1).
Genome position (GRCh38, 1-based): chr7:100,211,171, G>A. VCF-style: chr7-100211171-G-A. GRCh37 (hg19) VCF-style: chr7-99808794-G-A.
Other names: c.3399G>A, p.Leu1133= (NM_001282716.1, NM_001375438.1, NM_012447.4); c.3225G>A, p.Leu1075= (NM_001282718.2).
Identifiers: ClinVar variation 3053313 (VCV003053313.2), dbSNP rs201135300, ClinGen allele CA4379030.
Genomic context (GRCh38, chr7:100,211,171, plus strand): 5'-GAAGAGCAGGCAGCCCCTGTGGGGGTTGAAAGAGATGGAGGAAGAAGATGGCTCAGAGTT[G>A]GATTTTGCCCAGGGGTGAGGCCATGGAGGGAATCTGGGTGTCTGAGTTCCCAGTTTGGTG-3'
Protein context (NP_001269646.1, residues 1123-1143): KEMEEEDGSE[Leu1133=]DFAQGSQPVA

ClinVar aggregate classification (germline): Likely benign (0 of 4 stars; one submission).

Conditions:
STAG3-related disorder. Also called: STAG3-related condition.

Allele frequency attached by ClinVar (database versions not stated): gnomAD 0.00005; TOPMed 0.00006; ESP Exome Variant Server 0.00008; gnomAD exomes 0.00008; ExAC 0.00010; 1000 Genomes Project 30x 0.00016; 1000 Genomes Project 0.00020.
gnomAD v4.1: 120 of 1,513,662 alleles (0.0079%); highest among the groups gnomAD compares: Non-Finnish European, 0.01%; no homozygotes.

Submission:

PreventionGenetics, part of Exact Sciences
Classification: Likely benign for STAG3-related condition. Last evaluated: 2019-08-28. Review status: no assertion criteria provided. Collection method: clinical testing. Allele origin: germline.
Comment: This variant is classified as likely benign based on ACMG/AMP sequence variant interpretation guidelines (Richards et al. 2015 PMID: 25741868, with internal and published modifications).